The following is an entry in ClinVar:

ClinVar aggregate classification (germline): Uncertain significance (1 of 4 stars; one submission).

Submission:

Women's Health and Genetics/Laboratory Corporation of America, LabCorp
Classification: Uncertain significance. Last evaluated: 2026-05-19. Review status: criteria provided, single submitter. Criteria: LabCorp Variant Classification Summary - May 2015. Collection method: clinical testing. Allele origin: germline.
Comment: Variant summary: FLNA c.147C>A (p.Phe49Leu) results in a non-conservative amino acid change in the encoded protein sequence. Algorithms developed to predict the effect of missense changes on protein structure and function all suggest that this variant is likely to be disruptive. The variant was absent in 163559 control chromosomes. The available data on variant occurrences in the general population are insufficient to allow any conclusion about variant significance. To our knowledge, no occurrence of c.147C>A in individuals affected with FLNA-related conditions and no experimental evidence demonstrating its impact on protein function have been reported. No submitters have cited clinical-significance assessments for this variant to ClinVar. Based on the evidence outlined above, the variant was classified as uncertain significance.

NM_001110556.2(FLNA):c.147C>A (p.Phe49Leu)

Gene: FLNA (filamin A; minus strand). Cytogenetic location: Xq28.
Variant type: single nucleotide variant.
Coding change: c.147C>A on transcript NM_001110556.2 (MANE Select); coding-DNA position 147, C replaced by A.
Protein change: p.Phe49Leu; replaces phenylalanine 49 with leucine.
Molecular consequence: missense variant.
Genome position (GRCh38, 1-based): chrX:154,371,099, G>T on the plus strand (C>A on the coding strand, the complement: FLNA is on the minus strand). VCF-style: chrX-154371099-G-T. GRCh37 (hg19) VCF-style: chrX-153599467-G-T.
Other names: c.147C>A, p.Phe49Leu (NM_001456.4); short protein forms F49L.
Identifiers: ClinVar variation 4853786 (VCV004853786.1).